The following is an entry in ClinVar:

NM_001378974.1(FBXW11):c.720A>G (p.Ile240Met)

Gene: FBXW11 (F-box and WD repeat domain containing 11; minus strand). Cytogenetic location: 5q35.1.
Variant type: single nucleotide variant.
Coding change: c.720A>G on transcript NM_001378974.1 (MANE Select); coding-DNA position 720, A replaced by G.
Protein change: p.Ile240Met; replaces isoleucine 240 with methionine.
Molecular consequence: missense variant.
Genome position (GRCh38, 1-based): chr5:171,891,599, T>C on the plus strand (A>G on the coding strand, the complement: FBXW11 is on the minus strand). VCF-style: chr5-171891599-T-C. GRCh37 (hg19) VCF-style: chr5-171318603-T-C.
Other names: c.651A>G, p.Ile217Met (NM_001378975.1); c.624A>G, p.Ile208Met (NM_001378976.1); c.561A>G, p.Ile187Met (NM_001378977.1, NM_001378978.1, NM_001378979.1); c.555A>G, p.Ile185Met (NM_001378980.1, NM_033645.3); c.657A>G, p.Ile219Met (NM_012300.3); c.618A>G, p.Ile206Met (NM_033644.3); short protein forms I185M, I187M, I206M, I208M, I217M, I219M, I240M.
Identifiers: ClinVar variation 3369469 (VCV003369469.1).

ClinVar aggregate classification (germline): Uncertain significance (1 of 4 stars; one submission).

gnomAD v4.1: 6 of 1,610,210 alleles (0.00037%); highest among the groups gnomAD compares: Non-Finnish European, 0.00051%; no homozygotes.

Submission:

GeneDx
Classification: Uncertain significance. Last evaluated: 2024-02-19. Review status: criteria provided, single submitter. Criteria: GeneDx Variant Classification Process June 2021. Collection method: clinical testing. Allele origin: germline. Affected: yes.
Comment: Not observed at significant frequency in large population cohorts (gnomAD); In silico analysis supports that this missense variant does not alter protein structure/function; Has not been previously published as pathogenic or benign to our knowledge